The following is an entry in ClinVar:

NM_147127.5(EVC2):c.864C>T (p.Asn288=)

Gene: EVC2 (EvC ciliary complex subunit 2; minus strand). Cytogenetic location: 4p16.2.
Variant type: single nucleotide variant.
Coding change: c.864C>T on transcript NM_147127.5 (MANE Select); coding-DNA position 864, C replaced by T.
Protein change: p.Asn288=; no amino-acid change (asparagine 288 retained).
Molecular consequence: synonymous variant.
Genome position (GRCh38, 1-based): chr4:5,681,266, G>A on the plus strand (C>T on the coding strand, the complement: EVC2 is on the minus strand). VCF-style: chr4-5681266-G-A. GRCh37 (hg19) VCF-style: chr4-5682993-G-A.
Other names: c.624C>T, p.Asn208= (NM_001166136.2).
Identifiers: ClinVar variation 284852 (VCV000284852.72), dbSNP rs144730069, ClinGen allele CA2835274.
Genomic context (GRCh38, chr4:5,681,266, plus strand): 5'-CCCACACAGCACAGGTGTGTCCTGAGGGTGCTCAGGGCATGTCATGTCTCTTACCGTTAC[G>A]TTTTCTTCTGCTGTTATGGAAAAAAGCACTTTCAGCTGTGTTCTGTTCTAGAAAAGGAAA-3'
Protein context (NP_667338.3, residues 278-298): KVLFSITAEE[Asn288=]VTVLPHHGLH

ClinVar aggregate classification (germline): Benign/Likely benign. Review status: criteria provided, multiple submitters, no conflicts (2 of 4 stars). 9 submissions from 9 submitters: Benign (1); Likely benign (8). Last evaluated 2026-05-12.

Conditions:
Ellis-van Creveld syndrome (EVC). Also called: Chondroectodermal dysplasia; MESOECTODERMAL DYSPLASIA. Identifiers: Orphanet 289, MedGen C0013903, MONDO:0009162, OMIM 225500.
Curry-Hall syndrome (WAD). Also called: WEYERS ACRODENTAL DYSOSTOSIS. Identifiers: Orphanet 952, MedGen C0457013, MONDO:0008673, OMIM 193530.

Allele frequency attached by ClinVar (database versions not stated): 1000 Genomes Project 0.00020; 1000 Genomes Project 30x 0.00031; ExAC 0.00223; gnomAD exomes 0.00226; gnomAD 0.00252 and 0.00320; ESP Exome Variant Server 0.00331; TOPMed 0.00362.
gnomAD v4.1: 6,937 of 1,614,144 alleles (0.43%); highest among the groups gnomAD compares: Non-Finnish European, 0.53%; 31 homozygotes.

Submissions (9):

Women's Health and Genetics/Laboratory Corporation of America, LabCorp
Classification: Likely benign. Last evaluated: 2026-05-12. Review status: criteria provided, single submitter. Criteria: LabCorp Variant Classification Summary - May 2015. Collection method: clinical testing. Allele origin: germline.

CeGaT Center for Human Genetics Tuebingen
Classification: Likely benign. Last evaluated: 2026-03-01. Review status: criteria provided, single submitter. Criteria: CeGaT Center For Human Genetics Tuebingen Variant Classification Criteria Version 2. Collection method: clinical testing. Allele origin: germline. Affected: yes. Observed: 6 variant alleles.
Comment: EVC2: BP4, BP7, BS2

Labcorp Genetics (formerly Invitae), Labcorp
Classification: Benign for Curry-Hall syndrome; Ellis-van Creveld syndrome. Last evaluated: 2026-01-30. Review status: criteria provided, single submitter. Criteria: Invitae Variant Classification Sherloc (09022015). Collection method: clinical testing. Allele origin: germline.

Blueprint Genetics
Classification: Likely benign. Last evaluated: 2024-11-22. Review status: criteria provided, single submitter. Criteria: ACMG Guidelines, 2015. Collection method: clinical testing. Allele origin: germline.

ARUP Laboratories, Molecular Genetics and Genomics, ARUP Laboratories
Classification: Likely benign. Last evaluated: 2023-11-28. Review status: criteria provided, single submitter. Criteria: ARUP Molecular Germline Variant Investigation Process 2024. Collection method: clinical testing. Allele origin: germline.

GeneDx
Classification: Likely benign. Last evaluated: 2020-10-13. Review status: criteria provided, single submitter. Criteria: GeneDx Variant Classification Process June 2021. Collection method: clinical testing. Allele origin: germline. Affected: yes.

Illumina Laboratory Services, Illumina
Classification: Likely benign for Ellis-van Creveld syndrome. Last evaluated: 2018-01-13. Review status: criteria provided, single submitter. Criteria: ICSL Variant Classification Criteria 13 December 2019. Collection method: clinical testing. Allele origin: germline.
Comment: This variant was observed in the ICSL laboratory as part of a predisposition screen in an ostensibly healthy population. It had not been previously curated by ICSL or reported in the Human Gene Mutation Database (HGMD: prior to June 1st, 2018), and was therefore a candidate for classification through an automated scoring system. Utilizing variant allele frequency, disease prevalence and penetrance estimates, and inheritance mode, an automated score was calculated to assess if this variant is too frequent to cause the disease. Based on the score and internal cut-off values, a variant classified as likely benign is not then subjected to further curation. The score for this variant resulted in a classification of likely benign for this disease.

Eurofins Ntd Llc (ga)
Classification: Likely benign. Last evaluated: 2015-12-07. Review status: criteria provided, single submitter. Criteria: EGL Classification Definitions 2015. Collection method: clinical testing. Allele origin: germline. Observed: 1 variant allele, 1 heterozygote.

Breakthrough Genomics
Classification: Likely benign. Review status: criteria provided, single submitter. Criteria: ACMG Guidelines, 2015. Collection method: not provided. Allele origin: germline. Inheritance: Autosomal recessive inheritance. Affected: yes.